The following is an entry in ClinVar:

NM_019066.5(MAGEL2):c.3029C>T (p.Ser1010Phe)

Gene: MAGEL2 (MAGE family member L2; minus strand). Cytogenetic location: 15q11.2.
Variant type: single nucleotide variant.
Coding change: c.3029C>T on transcript NM_019066.5 (MANE Select); coding-DNA position 3029, C replaced by T.
Protein change: p.Ser1010Phe; replaces serine 1010 with phenylalanine.
Molecular consequence: missense variant.
Genome position (GRCh38, 1-based): chr15:23,644,714, G>A on the plus strand (C>T on the coding strand, the complement: MAGEL2 is on the minus strand). VCF-style: chr15-23644714-G-A. GRCh37 (hg19) VCF-style: chr15-23889861-G-A.
Other names: short protein forms S1010F.
Identifiers: ClinVar variation 3021057 (VCV003021057.3), dbSNP rs1229867795, ClinGen allele CA391326414.
Genomic context (GRCh38, chr15:23,644,714, plus strand): 5'-AACTGCACCAACGCATTTGCCCTCTCATCCAAGGGAGACAAGGGCTGTGCCTCCACCTTG[G>A]AATTATCCTGGGTGGCACTGGATCCCGGAGAGACACTTGCGACCTCAGACACAACTACGG-3'
Protein context (NP_061939.3, residues 1000-1020): SPGSSATQDN[Ser1010Phe]KVEAQPLSPL

ClinVar aggregate classification (germline): Uncertain significance (1 of 4 stars; one submission).

Submission:

Labcorp Genetics (formerly Invitae), Labcorp
Classification: Uncertain significance. Last evaluated: 2024-07-01. Review status: criteria provided, single submitter. Criteria: Invitae Variant Classification Sherloc (09022015). Collection method: clinical testing. Allele origin: germline.
Comment: This sequence change replaces serine, which is neutral and polar, with phenylalanine, which is neutral and non-polar, at codon 1010 of the MAGEL2 protein (p.Ser1010Phe). This variant is not present in population databases (gnomAD no frequency). This variant has not been reported in the literature in individuals affected with MAGEL2-related conditions. Advanced modeling of protein sequence and biophysical properties (such as structural, functional, and spatial information, amino acid conservation, physicochemical variation, residue mobility, and thermodynamic stability) performed at Invitae indicates that this missense variant is not expected to disrupt MAGEL2 protein function with a negative predictive value of 80%. In summary, the available evidence is currently insufficient to determine the role of this variant in disease. Therefore, it has been classified as a Variant of Uncertain Significance.